The following is an entry in ClinVar:

NM_182961.4(SYNE1):c.6772G>T (p.Val2258Phe)

Genes: SYNE1 (spectrin repeat containing nuclear envelope protein 1; minus strand), SYNE1-AS2 (SYNE1 antisense RNA 2; plus strand). Cytogenetic location: 6q25.2.
Variant type: single nucleotide variant.
Coding change: c.6772G>T on transcript NM_182961.4 (MANE Select); coding-DNA position 6772, G replaced by T.
Protein change: p.Val2258Phe; replaces valine 2258 with phenylalanine.
Molecular consequence: missense variant.
Genome position (GRCh38, 1-based): chr6:152,404,266, C>A on the plus strand (G>T on the coding strand, the complement: SYNE1 is on the minus strand). VCF-style: chr6-152404266-C-A. GRCh37 (hg19) VCF-style: chr6-152725401-C-A.
Other names: c.6793G>T, p.Val2265Phe (NM_033071.5); short protein forms V2258F, V2265F.
Identifiers: ClinVar variation 1307787 (VCV001307787.2), dbSNP rs748502681, ClinGen allele CA4057996.

ClinVar aggregate classification (germline): Uncertain significance (1 of 4 stars; one submission).

Allele frequency attached by ClinVar (database versions not stated): gnomAD exomes below 0.00001; ExAC 0.00001.
gnomAD v4.1: 1 of 1,613,010 alleles (0.000062%); highest among the groups gnomAD compares: South Asian, 0.0011%; no homozygotes.

Submission:

GeneDx
Classification: Uncertain significance. Last evaluated: 2020-04-03. Review status: criteria provided, single submitter. Criteria: GeneDx Variant Classification Process June 2021. Collection method: clinical testing. Allele origin: germline. Affected: yes.
Comment: Not observed in large population cohorts (Lek et al., 2016); In silico analysis, which includes protein predictors and evolutionary conservation, supports a deleterious effect; Has not been previously published as pathogenic or benign to our knowledge